The following is an entry in ClinVar:

ClinVar aggregate classification (germline): Uncertain significance (1 of 4 stars; one submission).

Allele frequency attached by ClinVar (database versions not stated): ExAC 0.00001; gnomAD 0.00001.
gnomAD v4.1: 138 of 1,613,452 alleles (0.0086%); highest among the groups gnomAD compares: Non-Finnish European, 0.011%; no homozygotes.

Submission:

Labcorp Genetics (formerly Invitae), Labcorp
Classification: Uncertain significance. Last evaluated: 2021-06-19. Review status: criteria provided, single submitter. Criteria: Invitae Variant Classification Sherloc (09022015). Collection method: clinical testing. Allele origin: germline.
Comment: In summary, the available evidence is currently insufficient to determine the role of this variant in disease. Therefore, it has been classified as a Variant of Uncertain Significance. Algorithms developed to predict the effect of missense changes on protein structure and function output the following: SIFT: "Tolerated"; PolyPhen-2: "Benign"; Align-GVGD: "Class C0". The serine amino acid residue is found in multiple mammalian species, which suggests that this missense change does not adversely affect protein function. This variant has not been reported in the literature in individuals affected with MAPKAPK3-related conditions. This variant is present in population databases (rs750410127, ExAC 0.002%). This sequence change replaces threonine with serine at codon 66 of the MAPKAPK3 protein (p.Thr66Ser). The threonine residue is highly conserved and there is a small physicochemical difference between threonine and serine.

NM_001243925.2(MAPKAPK3):c.196A>T (p.Thr66Ser)

Gene: MAPKAPK3 (MAPK activated protein kinase 3; plus strand). Cytogenetic location: 3p21.2.
Variant type: single nucleotide variant.
Coding change: c.196A>T on transcript NM_001243925.2 (MANE Select); coding-DNA position 196, A replaced by T.
Protein change: p.Thr66Ser; replaces threonine 66 with serine.
Molecular consequence: missense variant.
Genome position (GRCh38, 1-based): chr3:50,617,761, A>T. VCF-style: chr3-50617761-A-T. GRCh37 (hg19) VCF-style: chr3-50655192-A-T.
Other names: c.196A>T, p.Thr66Ser (NM_001243926.2, NM_004635.5); short protein forms T66S.
Identifiers: ClinVar variation 1362350 (VCV001362350.8), dbSNP rs750410127, ClinGen allele CA2420177.